The following is an entry in ClinVar:

ClinVar aggregate classification (germline): Uncertain significance. Review status: criteria provided, multiple submitters, no conflicts (2 of 4 stars). 9 submissions from 9 submitters: Uncertain significance (8). 1 of the submissions does not count toward it. Last evaluated 2026-02-02.

Conditions:
Cardiac arrhythmia. Also called: Arrhythmia; Cardiac rhythm disease. Identifiers: MedGen C0003811, MONDO:0007263, HP:0011675.
Cardiovascular phenotype. Identifiers: MedGen CN230736.
Short QT syndrome type 1. Identifiers: Orphanet 51083, MedGen C1865020, MONDO:0012312, OMIM 609620.
Long QT syndrome 2 (LQT2). Identifiers: Orphanet 101016, Orphanet 768, MedGen C3150943, MONDO:0013367, OMIM 613688.
Long QT syndrome (LQTS). Identifiers: MedGen C0023976, MeSH D008133, MONDO:0002442. Disease mechanism: loss of function. Inheritance: Various modes of inheritance.

Allele frequency attached by ClinVar (database versions not stated): gnomAD exomes 0.00003; gnomAD 0.00002; TOPMed 0.00005.
gnomAD v4.1: 50 of 1,548,114 alleles (0.0032%); highest among the groups gnomAD compares: Middle Eastern, 0.018%; no homozygotes.

Submissions (9):

Labcorp Genetics (formerly Invitae), Labcorp
Classification: Uncertain significance for Long QT syndrome. Last evaluated: 2026-02-02. Review status: criteria provided, single submitter. Criteria: Invitae Variant Classification Sherloc (09022015). Collection method: clinical testing. Allele origin: germline.
Comment: This sequence change replaces arginine, which is basic and polar, with tryptophan, which is neutral and slightly polar, at codon 1035 of the KCNH2 protein (p.Arg1035Trp). This variant is present in population databases (rs199473543, gnomAD 0.008%). This variant has not been reported in the literature in individuals affected with KCNH2-related conditions. ClinVar contains an entry for this variant (Variation ID: 67468). An algorithm developed to predict the effect of missense changes on protein structure and function (PolyPhen-2) suggests that this variant is likely to be disruptive. In summary, the available evidence is currently insufficient to determine the role of this variant in disease. Therefore, it has been classified as a Variant of Uncertain Significance.

Ambry Genetics
Classification: Uncertain significance for Cardiovascular phenotype. Last evaluated: 2026-01-26. Review status: criteria provided, single submitter. Criteria: Ambry Variant Classification Scheme 2023. Collection method: clinical testing. Allele origin: germline.

GeneDx
Classification: Uncertain significance. Last evaluated: 2025-09-23. Review status: criteria provided, single submitter. Criteria: GeneDx Variant Classification Process June 2021. Collection method: clinical testing. Allele origin: germline. Affected: yes.
Comment: Identified in a patient with short QT syndrome and idiopathic ventricular fibrillation (PMID: 28566242); Reported in a healthy control individual in published literature (PMID: 14661677); Not observed at significant frequency in large population cohorts (gnomAD); In silico analysis suggests that this missense variant does not alter protein structure/function; This variant is associated with the following publications: (PMID: 19841300, 22947121, 22581653, 22949429, 14661677, 28566242)

Revvity Omics, Revvity
Classification: Uncertain significance. Last evaluated: 2024-06-09. Review status: criteria provided, single submitter. Criteria: ACMG Guidelines, 2015. Collection method: clinical testing. Allele origin: germline.

All of Us Research Program, National Institutes of Health
Classification: Uncertain significance for Long QT syndrome. Last evaluated: 2024-05-30. Review status: criteria provided, single submitter. Criteria: ACMG Guidelines, 2015. Collection method: clinical testing. Allele origin: germline. Inheritance: Autosomal dominant inheritance. Observed: 12 variant alleles, 12 heterozygotes.
Comment: This missense variant replaces arginine with tryptophan at codon 1035 of the KCNH2 protein. Computational prediction is inconclusive regarding the impact of this variant on protein structure and function (internally defined REVEL score threshold 0.5 < inconclusive < 0.7, PMID: 27666373). To our knowledge, functional studies have not been performed for this variant. This variant has been reported in an individual affected with cardiac arrest, idiopathic ventricular fibrillation and short QT syndrome and in this individual's relative suspected of having short QT syndrome (PMID: 28566242, Jimenez-Jaimez et al., 2016). This variant has also been reported in healthy individuals (PMID: 14661677, 19841300, 22949429). This variant has been identified in 5/176612 chromosomes in the general population by the Genome Aggregation Database (gnomAD). The available evidence is insufficient to determine the role of this variant in disease conclusively. Therefore, this variant is classified as a Variant of Uncertain Significance.

This study involves interpretation of variants in research participants for the purpose of population health screening. Participant phenotype was not available at the time of variant classification. Additional details can be found in publication PMID: 35346344, PMCID: PMC8962531

Color Diagnostics, LLC DBA Color Health
Classification: Uncertain significance for Cardiac arrhythmia. Last evaluated: 2024-04-23. Review status: criteria provided, single submitter. Criteria: ACMG Guidelines, 2015. Collection method: clinical testing. Allele origin: germline.
Comment: This missense variant replaces arginine with tryptophan at codon 1035 of the KCNH2 protein. Computational prediction is inconclusive regarding the impact of this variant on protein structure and function (internally defined REVEL score threshold 0.5 < inconclusive < 0.7, PMID: 27666373). To our knowledge, functional studies have not been performed for this variant. This variant has been reported in an individual affected with cardiac arrest, idiopathic ventricular fibrillation and short QT syndrome and in this individual's relative suspected of having short QT syndrome (PMID: 28566242, Jimenez-Jaimez et al., 2016). This variant has also been reported in healthy individuals (PMID: 14661677, 19841300, 22949429). This variant has been identified in 5/176612 chromosomes in the general population by the Genome Aggregation Database (gnomAD). The available evidence is insufficient to determine the role of this variant in disease conclusively. Therefore, this variant is classified as a Variant of Uncertain Significance.

Fulgent Genetics
Classification: Uncertain significance for Short QT syndrome type 1; Long QT syndrome 2. Last evaluated: 2021-08-12. Review status: criteria provided, single submitter. Criteria: ACMG Guidelines, 2015. Collection method: clinical testing. Allele origin: unknown.

Breakthrough Genomics
Classification: Uncertain significance. Review status: criteria provided, single submitter. Criteria: ACMG Guidelines, 2015. Collection method: not provided. Allele origin: germline. Inheritance: Autosomal recessive inheritance. Affected: yes.

Cardiovascular Biomedical Research Unit, Royal Brompton & Harefield NHS Foundation Trust
No classification provided. Review status: no classification provided. Collection method: literature only. Allele origin: germline. Not counted in ClinVar's aggregate classification.
Comment: This variant has been reported in the following publications (PMID:14661677;PMID:19841300).

Literature cited by the submitters: PubMed 14661677 (cited by 3 submitters); PubMed 19841300 (cited by 3 submitters); PubMed 22949429 (cited by All of Us Research Program, National Institutes of Health and Color Diagnostics, LLC DBA Color Health); PubMed 28566242 (cited by All of Us Research Program, National Institutes of Health and Color Diagnostics, LLC DBA Color Health); PubMed 22581653 (cited by Cardiovascular Biomedical Research Unit, Royal Brompton & Harefield NHS Foundation Trust).

NM_000238.4(KCNH2):c.3103C>T (p.Arg1035Trp)

Gene: KCNH2 (potassium voltage-gated channel subfamily H member 2; minus strand). Cytogenetic location: 7q36.1.
Variant type: single nucleotide variant.
Coding change: c.3103C>T on transcript NM_000238.4 (MANE Select); coding-DNA position 3103, C replaced by T.
Protein change: p.Arg1035Trp; replaces arginine 1035 with tryptophan.
Molecular consequence: missense variant.
Genome position (GRCh38, 1-based): chr7:150,947,377, G>A on the plus strand (C>T on the coding strand, the complement: KCNH2 is on the minus strand). VCF-style: chr7-150947377-G-A. GRCh37 (hg19) VCF-style: chr7-150644465-G-A.
Other names: c.3103C>T (NM_000238.2, LRG_288t1); c.2083C>T, p.Arg695Trp (NM_172057.3); short protein forms R1035W, R695W.
Identifiers: ClinVar variation 67468 (VCV000067468.27), dbSNP rs199473543, ClinGen allele CA007929.